The following is an entry in ClinVar:

ClinVar aggregate classification (germline): Pathogenic. Review status: criteria provided, multiple submitters, no conflicts (2 of 4 stars). 8 submissions from 8 submitters: Pathogenic (8). Last evaluated 2025-10-09.

Conditions:
Muscular dystrophy, limb-girdle, autosomal recessive 23. Identifiers: Orphanet 565837, MedGen C4748327, MONDO:0029136, OMIM 618138.
Merosin deficient congenital muscular dystrophy (MDC1A). Also called: Congenital Muscular Dystrophy Type 1A (MDC1A); Congenital merosin-deficient muscular dystrophy 1A. Identifiers: Orphanet 258, MedGen C1263858, MONDO:0011925, OMIM 607855.
Inborn genetic diseases. Identifiers: MedGen C0950123, MeSH D030342.
LAMA2-related muscular dystrophy (LAMA2-RD). Also called: Laminin alpha 2-related dystrophy. Identifiers: MedGen C5679788, MONDO:0100228.
Abnormality of the musculature. Identifiers: MedGen C4021745, HP:0003011.

Allele frequency attached by ClinVar (database versions not stated): gnomAD 0.00001; gnomAD exomes 0.00001; ExAC 0.00002.
gnomAD v4.1: 10 of 1,611,554 alleles (0.00062%); highest among the groups gnomAD compares: Admixed American, 0.0017%; no homozygotes.

Submissions (8):

Labcorp Genetics (formerly Invitae), Labcorp
Classification: Pathogenic for LAMA2-related muscular dystrophy. Last evaluated: 2025-10-09. Review status: criteria provided, single submitter. Criteria: Invitae Variant Classification Sherloc (09022015). Collection method: clinical testing. Allele origin: germline.
Comment: This sequence change affects a donor splice site in intron 36 of the LAMA2 gene. It is expected to disrupt RNA splicing. Variants that disrupt the donor or acceptor splice site typically lead to a loss of protein function (PMID: 16199547), and loss-of-function variants in LAMA2 are known to be pathogenic (PMID: 18700894, 32904964). This variant is present in population databases (rs781376927, gnomAD 0.003%). Disruption of this splice site has been observed in individuals with autosomal recessive congenital muscular dystrophy (PMID: 18700894, 24534542). ClinVar contains an entry for this variant (Variation ID: 447687). Algorithms developed to predict the effect of sequence changes on RNA splicing suggest that this variant may disrupt the consensus splice site. For these reasons, this variant has been classified as Pathogenic.

Baylor Genetics
Classification: Pathogenic for Merosin deficient congenital muscular dystrophy. Last evaluated: 2024-03-30. Review status: criteria provided, single submitter. Criteria: ACMG Guidelines, 2015. Collection method: clinical testing. Allele origin: unknown.

Fulgent Genetics
Classification: Pathogenic for Merosin deficient congenital muscular dystrophy; Muscular dystrophy, limb-girdle, autosomal recessive 23. Last evaluated: 2024-01-30. Review status: criteria provided, single submitter. Criteria: ACMG Guidelines, 2015. Collection method: clinical testing. Allele origin: germline.

Laboratorio de Genetica e Diagnostico Molecular, Hospital Israelita Albert Einstein
Classification: Pathogenic for Merosin deficient congenital muscular dystrophy. Last evaluated: 2022-01-21. Review status: criteria provided, single submitter. Criteria: ACMG Guidelines, 2015. Collection method: clinical testing. Allele origin: germline. Affected: yes.
Comment: ACMG classification criteria: PVS1 very strong, PS3 supporting, PS4 strong, PM2 moderate, PM3 strong

Kariminejad - Najmabadi Pathology & Genetics Center
Classification: Pathogenic for Abnormality of the musculature. Last evaluated: 2021-07-10. Review status: criteria provided, single submitter. Criteria: ACMG Guidelines, 2015. Collection method: clinical testing. Allele origin: germline. Affected: yes.

Mendelics
Classification: Pathogenic for Merosin deficient congenital muscular dystrophy. Last evaluated: 2019-05-28. Review status: criteria provided, single submitter. Criteria: Mendelics Assertion Criteria 2017. Collection method: clinical testing. Allele origin: unknown.

Ambry Genetics
Classification: Pathogenic for Inborn genetic diseases. Last evaluated: 2018-01-19. Review status: criteria provided, single submitter. Criteria: Ambry exome assertion method (8-5-2015). Collection method: clinical testing. Allele origin: germline. Affected: yes. Observed: 1 variant allele.

Athena Diagnostics
Classification: Pathogenic. Last evaluated: 2016-03-30. Review status: criteria provided, single submitter. Criteria: Athena Diagnostics Criteria. Collection method: clinical testing. Allele origin: germline.

Literature cited by the submitters: PubMed 16199547 (cited by Labcorp Genetics (formerly Invitae), Labcorp); PubMed 18700894 (cited by 3 submitters); PubMed 32904964 (cited by Labcorp Genetics (formerly Invitae), Labcorp); PubMed 24534542 (cited by 3 submitters).

NM_000426.4(LAMA2):c.5234+1G>A

Gene: LAMA2 (laminin subunit alpha 2; plus strand). Cytogenetic location: 6q22.33.
Variant type: single nucleotide variant.
Coding change: c.5234+1G>A on transcript NM_000426.4 (MANE Select); the canonical splice donor site of the intron after coding-DNA position 5234, G replaced by A.
Molecular consequence: splice donor variant.
Genome position (GRCh38, 1-based): chr6:129,391,654, G>A. VCF-style: chr6-129391654-G-A. GRCh37 (hg19) VCF-style: chr6-129712799-G-A.
Other names: c.5234+1G>A (NM_001079823.2).
Identifiers: ClinVar variation 447687 (VCV000447687.39), dbSNP rs781376927, ClinGen allele CA3993804.